The following is an entry in ClinVar:

NM_000481.4(AMT):c.264_265dup (p.Ile89fs)

Gene: AMT (aminomethyltransferase; minus strand). Cytogenetic location: 3p21.31.
Variant type: Duplication.
Coding change: c.264_265dup on transcript NM_000481.4 (MANE Select); coding-DNA positions 264 to 265, 2 bases duplicated (GA; older notation c.264_265dupGA).
Protein change: p.Ile89fs; shifts the reading frame from isoleucine 89.
Molecular consequence: frameshift variant. On other transcripts: non-coding transcript variant (1).
Genome position (GRCh38, 1-based): chr3:49,421,566-49,421,567, TC duplicated on the plus strand (GA on the coding strand, the reverse complement: AMT is on the minus strand); duplicating any 2 consecutive bases within chr3:49,421,566-49,421,568 gives the same sequence; the c. name uses the placement nearest the transcript's 3' end. VCF-style (leftmost placement, unchanged base first): chr3-49421565-A-ATC. GRCh37 (hg19) VCF-style: chr3-49458998-A-ATC.
Other names: c.264_265dup, p.Ile89fs (NM_001164710.2, NM_001164712.2); c.96_97dup, p.Ile33fs (NM_001164711.2); short protein forms I89fs, I33fs.
Identifiers: ClinVar variation 2825747 (VCV002825747.5), dbSNP rs2471158260, ClinGen allele CA2739279811.

ClinVar aggregate classification (germline): Pathogenic (1 of 4 stars; one submission).

Conditions:
Glycine encephalopathy. Also called: Nonketotic hyperglycinemia; Non-ketotic hyperglycinemia. Identifiers: Orphanet 407, MedGen C0751748, MONDO:0011612, HP:0008288.

Submission:

Labcorp Genetics (formerly Invitae), Labcorp
Classification: Pathogenic for Glycine encephalopathy. Last evaluated: 2023-01-01. Review status: criteria provided, single submitter. Criteria: Invitae Variant Classification Sherloc (09022015). Collection method: clinical testing. Allele origin: germline.
Comment: This sequence change creates a premature translational stop signal (p.Ile89Argfs*8) in the AMT gene. It is expected to result in an absent or disrupted protein product. Loss-of-function variants in AMT are known to be pathogenic (PMID: 16450403). This variant is not present in population databases (gnomAD no frequency). This variant has not been reported in the literature in individuals affected with AMT-related conditions. For these reasons, this variant has been classified as Pathogenic.

Literature cited by the submitters: PubMed 16450403.